The following is an entry in ClinVar:

ClinVar aggregate classification (germline): Benign (1 of 4 stars; one submission).

Allele frequency attached by ClinVar (database versions not stated): TOPMed 0.04903; gnomAD 0.05161 and 0.05423; 1000 Genomes Project 30x 0.05450; 1000 Genomes Project 0.05591; gnomAD exomes 0.07381.
gnomAD v4.1: 79,824 of 1,122,588 alleles (7.1%); highest among the groups gnomAD compares: South Asian, 11%; 3,161 homozygotes.

Submission:

GeneDx
Classification: Benign. Last evaluated: 2018-06-15. Review status: criteria provided, single submitter. Criteria: GeneDx Variant Classification (06012015). Collection method: clinical testing. Allele origin: germline. Affected: yes.
Comment: This variant is considered likely benign or benign based on one or more of the following criteria: it is a conservative change, it occurs at a poorly conserved position in the protein, it is predicted to be benign by multiple in silico algorithms, and/or has population frequency not consistent with disease.

NM_004329.3(BMPR1A):c.68-112A>G

Gene: BMPR1A (bone morphogenetic protein receptor type 1A; plus strand). Cytogenetic location: 10q23.2.
Variant type: single nucleotide variant.
Coding change: c.68-112A>G on transcript NM_004329.3 (MANE Select); 112 bases into the intron before coding-DNA position 68, A replaced by G.
Molecular consequence: intron variant.
Genome position (GRCh38, 1-based): chr10:86,889,950, A>G. VCF-style: chr10-86889950-A-G. GRCh37 (hg19) VCF-style: chr10-88649707-A-G.
Identifiers: ClinVar variation 676463 (VCV000676463.1), dbSNP rs11596237, ClinGen allele CA211182562.